The following is an entry in ClinVar:

NM_017763.6(RNF43):c.376-18T>C

Gene: RNF43 (ring finger protein 43; minus strand). Cytogenetic location: 17q22.
Variant type: single nucleotide variant.
Coding change: c.376-18T>C on transcript NM_017763.6 (MANE Select); 18 bases into the intron before coding-DNA position 376, T replaced by C.
Molecular consequence: intron variant.
Genome position (GRCh38, 1-based): chr17:58,363,618, A>G on the plus strand (T>C on the coding strand, the complement: RNF43 is on the minus strand). VCF-style: chr17-58363618-A-G. GRCh37 (hg19) VCF-style: chr17-56440979-A-G.
Other names: c.376-18T>C (NM_001438821.1, NM_001438820.1, NM_001438822.1 and 1 more transcripts); c.-6-18T>C (NM_001437987.1, NM_001305545.2).
Identifiers: ClinVar variation 1595318 (VCV001595318.10), dbSNP rs747508936, ClinGen allele CA8673446.

ClinVar aggregate classification (germline): Likely benign. Review status: criteria provided, multiple submitters, no conflicts (2 of 4 stars). 2 submissions from 2 submitters: Likely benign (2). Last evaluated 2026-06-26.

Conditions:
Sessile serrated polyposis cancer syndrome (SSPCS). Identifiers: Orphanet 157798, MedGen C4310714, MONDO:0014919, OMIM 617108.

Allele frequency attached by ClinVar (database versions not stated): gnomAD exomes 0.00004 and 0.00005; ExAC 0.00007; gnomAD 0.00002; TOPMed 0.00002.
gnomAD v4.1: 74 of 1,605,108 alleles (0.0046%); highest among the groups gnomAD compares: Non-Finnish European, 0.006%; no homozygotes.

Submissions (2):

Myriad Genetics, Inc.
Classification: Likely benign for Sessile serrated polyposis cancer syndrome. Last evaluated: 2026-06-26. Review status: criteria provided, single submitter. Criteria: Myriad Autosomal Dominant, Autosomal Recessive and X-Linked Classification Criteria (2023). Collection method: clinical testing. Allele origin: unknown.
Comment: This variant is considered likely benign. This variant is intronic and is not expected to impact mRNA splicing.

Labcorp Genetics (formerly Invitae), Labcorp
Classification: Likely benign. Last evaluated: 2024-08-11. Review status: criteria provided, single submitter. Criteria: Invitae Variant Classification Sherloc (09022015). Collection method: clinical testing. Allele origin: germline.